The following is an entry in ClinVar:

ClinVar aggregate classification (germline): Uncertain significance (1 of 4 stars; one submission).

Conditions:
Dilated cardiomyopathy 1O (CMD1O). Also called: CARDIOMYOPATHY, DILATED, WITH VENTRICULAR TACHYCARDIA. Identifiers: Orphanet 154, MedGen C1837839, MONDO:0012062, OMIM 608569.

gnomAD v4.1: 4 of 1,612,216 alleles (0.00025%); highest among the groups gnomAD compares: Non-Finnish European, 0.00034%; no homozygotes.

Submission:

Labcorp Genetics (formerly Invitae), Labcorp
Classification: Uncertain significance for Dilated cardiomyopathy 1O. Last evaluated: 2024-11-18. Review status: criteria provided, single submitter. Criteria: Invitae Variant Classification Sherloc (09022015). Collection method: clinical testing. Allele origin: germline.
Comment: This sequence change replaces alanine, which is neutral and non-polar, with threonine, which is neutral and polar, at codon 351 of the ABCC9 protein (p.Ala351Thr). This variant is present in population databases (no rsID available, gnomAD 0.007%). This variant has not been reported in the literature in individuals affected with ABCC9-related conditions. Invitae Evidence Modeling of protein sequence and biophysical properties (such as structural, functional, and spatial information, amino acid conservation, physicochemical variation, residue mobility, and thermodynamic stability) has been performed for this missense variant. However, the output from this modeling did not meet the statistical confidence thresholds required to predict the impact of this variant on ABCC9 protein function. In summary, the available evidence is currently insufficient to determine the role of this variant in disease. Therefore, it has been classified as a Variant of Uncertain Significance.

NM_020297.4(ABCC9):c.1051G>A (p.Ala351Thr)

Gene: ABCC9 (ATP binding cassette subfamily C member 9; minus strand). Cytogenetic location: 12p12.1.
Variant type: single nucleotide variant.
Coding change: c.1051G>A on transcript NM_020297.4 (MANE Select); coding-DNA position 1051, G replaced by A.
Protein change: p.Ala351Thr; replaces alanine 351 with threonine.
Molecular consequence: missense variant.
Genome position (GRCh38, 1-based): chr12:21,910,939, C>T on the plus strand (G>A on the coding strand, the complement: ABCC9 is on the minus strand). VCF-style: chr12-21910939-C-T. GRCh37 (hg19) VCF-style: chr12-22063873-C-T.
Other names: c.1051G>A, p.Ala351Thr (NM_001377273.1, NM_005691.4); c.187G>A, p.Ala63Thr (NM_001377274.1); short protein forms A351T, A63T.
Identifiers: ClinVar variation 3697745 (VCV003697745.2).